The following is an entry in ClinVar:

ClinVar aggregate classification (germline): Uncertain significance. Review status: criteria provided, single submitter (1 of 4 stars). 2 submissions from 2 submitters: Uncertain significance (1). 1 of the submissions does not count toward it. Last evaluated 2024-03-15.

Conditions:
PLXNA3-related disorder. Also called: PLXNA3-related condition.

gnomAD v4.1: 9 of 1,208,038 alleles (0.00075%); highest among the groups gnomAD compares: African/African-American, 0.0017%; no homozygotes.

Submissions (2):

Ambry Genetics
Classification: Uncertain significance. Last evaluated: 2024-03-15. Review status: criteria provided, single submitter. Criteria: Ambry Variant Classification Scheme 2023. Collection method: clinical testing. Allele origin: germline.

PreventionGenetics, part of Exact Sciences
Classification: Uncertain significance for PLXNA3-related condition. Last evaluated: 2024-03-15. Review status: no assertion criteria provided. Collection method: clinical testing. Allele origin: germline. Not counted in ClinVar's aggregate classification.
Comment: The PLXNA3 c.4656C>G variant is predicted to result in the amino acid substitution p.Ile1552Met. To our knowledge, this variant has not been reported in the literature. This variant is reported in 0.0037% of alleles in individuals of European (Non-Finnish) descent in gnomAD. At this time, the clinical significance of this variant is uncertain due to the absence of conclusive functional and genetic evidence.

NM_017514.5(PLXNA3):c.4656C>G (p.Ile1552Met)

Gene: PLXNA3 (plexin A3; plus strand). Cytogenetic location: Xq28.
Variant type: single nucleotide variant.
Coding change: c.4656C>G on transcript NM_017514.5 (MANE Select); coding-DNA position 4656, C replaced by G.
Protein change: p.Ile1552Met; replaces isoleucine 1552 with methionine.
Molecular consequence: missense variant.
Genome position (GRCh38, 1-based): chrX:154,469,440, C>G. VCF-style: chrX-154469440-C-G. GRCh37 (hg19) VCF-style: chrX-153697783-C-G.
Other names: short protein forms I1552M.
Identifiers: ClinVar variation 3307914 (VCV003307914.2).